The following is an entry in ClinVar:

ClinVar aggregate classification (germline): Uncertain significance. Review status: criteria provided, multiple submitters, no conflicts (2 of 4 stars). 3 submissions from 3 submitters: Uncertain significance (3). Last evaluated 2025-11-11.

Conditions:
Inborn genetic diseases. Identifiers: MedGen C0950123, MeSH D030342.

Allele frequency attached by ClinVar (database versions not stated): gnomAD below 0.00001 and 0.00001; ExAC 0.00002; gnomAD exomes 0.00002.

Submissions (3):

Ambry Genetics
Classification: Uncertain significance for Inborn genetic diseases. Last evaluated: 2025-11-11. Review status: criteria provided, single submitter. Criteria: Ambry Variant Classification Scheme 2023. Collection method: clinical testing. Allele origin: germline.

GeneDx
Classification: Uncertain significance. Last evaluated: 2022-02-28. Review status: criteria provided, single submitter. Criteria: GeneDx Variant Classification Process June 2021. Collection method: clinical testing. Allele origin: germline. Affected: yes.
Comment: In silico analysis supports that this missense variant does not alter protein structure/function; Has not been previously published as pathogenic or benign to our knowledge

CeGaT Center for Human Genetics Tuebingen
Classification: Uncertain significance. Last evaluated: 2019-01-01. Review status: criteria provided, single submitter. Criteria: CeGaT Center For Human Genetics Tuebingen Variant Classification Criteria Version 2. Collection method: clinical testing. Allele origin: germline. Affected: yes. Observed: 1 variant allele.

NM_001414.4(EIF2B1):c.430G>A (p.Ala144Thr)

Gene: EIF2B1 (eukaryotic translation initiation factor 2B subunit alpha; minus strand). Cytogenetic location: 12q24.31.
Variant type: single nucleotide variant.
Coding change: c.430G>A on transcript NM_001414.4 (MANE Select); coding-DNA position 430, G replaced by A.
Protein change: p.Ala144Thr; replaces alanine 144 with threonine.
Molecular consequence: missense variant.
Genome position (GRCh38, 1-based): chr12:123,627,096, C>T on the plus strand (G>A on the coding strand, the complement: EIF2B1 is on the minus strand). VCF-style: chr12-123627096-C-T. GRCh37 (hg19) VCF-style: chr12-124111643-C-T.
Other names: short protein forms A144T.
Identifiers: ClinVar variation 806960 (VCV000806960.44), dbSNP rs762644737, ClinGen allele CA6860131.